The following is an entry in ClinVar:

ClinVar aggregate classification (germline): Uncertain significance (1 of 4 stars; one submission).

Submission:

GeneDx
Classification: Uncertain significance. Last evaluated: 2024-09-26. Review status: criteria provided, single submitter. Criteria: GeneDx Variant Classification Process June 2021. Collection method: clinical testing. Allele origin: germline. Affected: yes.
Comment: Not observed at significant frequency in large population cohorts (gnomAD); In silico analysis indicates that this missense variant does not alter protein structure/function; Has not been previously published as pathogenic or benign to our knowledge

NM_001292034.3(TAB2):c.1816A>C (p.Ile606Leu)

Gene: TAB2 (TGF-beta activated kinase 1 (MAP3K7) binding protein 2; plus strand). Cytogenetic location: 6q25.1.
Variant type: single nucleotide variant.
Coding change: c.1816A>C on transcript NM_001292034.3 (MANE Select); coding-DNA position 1816, A replaced by C.
Protein change: p.Ile606Leu; replaces isoleucine 606 with leucine.
Molecular consequence: missense variant.
Genome position (GRCh38, 1-based): chr6:149,398,020, A>C. VCF-style: chr6-149398020-A-C. GRCh37 (hg19) VCF-style: chr6-149719156-A-C.
Other names: c.1720A>C, p.Ile574Leu (NM_001292035.3); c.1816A>C, p.Ile606Leu (NM_001369506.1, NM_015093.6); short protein forms I574L, I606L.
Identifiers: ClinVar variation 3774833 (VCV003774833.1).
Genomic context (GRCh38, chr6:149,398,020, plus strand): 5'-ATTTTTCAGCTTGAAGAAATGCAGCAGCTGAGAAGTTGTAATAGACAACTCCAGATTGAC[A>C]TTGACTGCTTAACCAAAGAAATTGATCTTTTTCAAGCCCGAGGTAAAGTTCAGTGTATTT-3'
Protein context (NP_001278963.1, residues 596-616): RSCNRQLQID[Ile606Leu]DCLTKEIDLF